The following is an entry in ClinVar:

ClinVar aggregate classification (germline): Uncertain significance (1 of 4 stars; one submission).

Conditions:
Familial melanoma. Also called: Hereditary melanoma; Hereditary cutaneous melanoma. Identifiers: Orphanet 618, MedGen C1512419, MONDO:0018961.

gnomAD v4.1: 1 of 1,614,030 alleles (0.000062%); highest among the groups gnomAD compares: Admixed American, 0.0017%; no homozygotes.

Submission:

Labcorp Genetics (formerly Invitae), Labcorp
Classification: Uncertain significance for Familial melanoma. Last evaluated: 2025-03-19. Review status: criteria provided, single submitter. Criteria: Invitae Variant Classification Sherloc (09022015). Collection method: clinical testing. Allele origin: germline.
Comment: This sequence change falls in intron 4 of the CDK4 gene. It does not directly change the encoded amino acid sequence of the CDK4 protein. It affects a nucleotide within the consensus splice site. This variant is not present in population databases (gnomAD no frequency). This variant has not been reported in the literature in individuals affected with CDK4-related conditions. Variants that disrupt the consensus splice site are a relatively common cause of aberrant splicing (PMID: 17576681, 9536098). Algorithms developed to predict the effect of sequence changes on RNA splicing suggest that this variant may disrupt the consensus splice site. In summary, the available evidence is currently insufficient to determine the role of this variant in disease. Therefore, it has been classified as a Variant of Uncertain Significance.

Literature cited by the submitters: PubMed 17576681; PubMed 9536098.

NM_000075.4(CDK4):c.522+6T>C

Gene: CDK4 (cyclin dependent kinase 4; minus strand). Cytogenetic location: 12q14.1.
Variant type: single nucleotide variant.
Coding change: c.522+6T>C on transcript NM_000075.4 (MANE Select); 6 bases into the intron after coding-DNA position 522, T replaced by C.
Molecular consequence: intron variant.
Genome position (GRCh38, 1-based): chr12:57,750,917, A>G on the plus strand (T>C on the coding strand, the complement: CDK4 is on the minus strand). VCF-style: chr12-57750917-A-G. GRCh37 (hg19) VCF-style: chr12-58144700-A-G.
Identifiers: ClinVar variation 4769044 (VCV004769044.1).
Genomic context (GRCh38, chr12:57,750,917, plus strand): 5'-ATTGCTACGGGCAATCACTCTCCTACTCCCAACCAGAACCCATTTTGGTACCATCTTTCT[A>G]CTGACCACGGGTGTAAGTGCCATCTGGTAGCTGTAGATTCTGGCCAGGCCAAAGTCAGCC-3'